The following is an entry in ClinVar:

NM_001267550.2(TTN):c.19474A>G (p.Lys6492Glu)

Gene: TTN (titin; minus strand). Cytogenetic location: 2q31.2.
Variant type: single nucleotide variant.
Coding change: c.19474A>G on transcript NM_001267550.2 (MANE Select); coding-DNA position 19474, A replaced by G.
Protein change: p.Lys6492Glu; replaces lysine 6492 with glutamic acid.
Molecular consequence: missense variant. On other transcripts: intron variant (3).
Genome position (GRCh38, 1-based): chr2:178,728,350, T>C on the plus strand (A>G on the coding strand, the complement: TTN is on the minus strand). VCF-style: chr2-178728350-T-C. GRCh37 (hg19) VCF-style: chr2-179593077-T-C.
Other names: c.18523A>G, p.Lys6175Glu (NM_001256850.1); c.15742A>G, p.Lys5248Glu (NM_133378.4); c.13282+9732A>G (NM_003319.4); c.13858+9732A>G (NM_133437.4); c.13657+9732A>G (NM_133432.3); short protein forms K6492E, K5248E, K6175E.
Identifiers: ClinVar variation 4983197 (VCV004983197.1).

ClinVar aggregate classification (germline): Uncertain significance (1 of 4 stars; one submission).

Conditions:
TTN-related disorder. Also called: TTN-related disorders; TTN-related condition; TTN-related disease.

gnomAD v4.1: 15 of 1,606,512 alleles (0.00093%); highest among the groups gnomAD compares: South Asian, 0.011%; no homozygotes.

Submission:

PreventionGenetics, part of Exact Sciences
Classification: Uncertain significance for TTN-related condition. Last evaluated: 2025-06-12. Review status: criteria provided, single submitter. Criteria: ACMG Guidelines, 2015. Collection method: clinical testing. Allele origin: germline.
Comment: The TTN c.19474A>G variant is predicted to result in the amino acid substitution p.Lys6492Glu. To our knowledge, this variant has not been reported in the literature. This variant is reported in 0.010% of alleles in individuals of South Asian descent in gnomAD. At this time, the clinical significance of this variant is uncertain due to the absence of conclusive functional and genetic evidence.